The following is an entry in ClinVar:

NM_001395656.1(ROBO2):c.3909A>T (p.Gln1303His)

Gene: ROBO2 (roundabout guidance receptor 2; plus strand). Cytogenetic location: 3p12.3.
Variant type: single nucleotide variant.
Coding change: c.3909A>T on transcript NM_001395656.1 (MANE Select); coding-DNA position 3909, A replaced by T.
Protein change: p.Gln1303His; replaces glutamine 1303 with histidine.
Molecular consequence: missense variant. On other transcripts: intron variant (1).
Genome position (GRCh38, 1-based): chr3:77,635,006, A>T. VCF-style: chr3-77635006-A-T. GRCh37 (hg19) VCF-style: chr3-77684157-A-T.
Other names: c.3945A>T, p.Gln1315His (NM_001128929.3); c.3909A>T, p.Gln1303His (NM_001290039.2); c.4092A>T, p.Gln1364His (NM_001290040.2, NM_001394212.1, NM_001395657.1); c.2118A>T, p.Gln706His (NM_001290065.2); c.3957A>T, p.Gln1319His (NM_001378190.1, NM_001378200.1, NM_001378201.1); c.4083A>T, p.Gln1361His (NM_001378191.1, NM_001378195.1, NM_001378196.1); c.3978A>T, p.Gln1326His (NM_001378192.1, NM_001378198.1, NM_001378199.1); c.3897A>T, p.Gln1299His (NM_001378193.1, NM_002942.5); and 6 more; short protein forms Q1300H, Q1303H, Q1315H, Q1326H, Q706H, Q1299H, Q1368H, Q1322H.
Identifiers: ClinVar variation 4693229 (VCV004693229.1).

ClinVar aggregate classification (germline): Uncertain significance (1 of 4 stars; one submission).

gnomAD v4.1: 9 of 1,613,990 alleles (0.00056%); highest among the groups gnomAD compares: Middle Eastern, 0.016%; no homozygotes.

Submission:

Labcorp Genetics (formerly Invitae), Labcorp
Classification: Uncertain significance. Last evaluated: 2025-07-08. Review status: criteria provided, single submitter. Criteria: Invitae Variant Classification Sherloc (09022015). Collection method: clinical testing. Allele origin: germline.
Comment: This sequence change replaces glutamine, which is neutral and polar, with histidine, which is basic and polar, at codon 1299 of the ROBO2 protein (p.Gln1299His). This variant is present in population databases (rs757874902, gnomAD 0.003%). This variant has not been reported in the literature in individuals affected with ROBO2-related conditions. Invitae Evidence Modeling of protein sequence and biophysical properties (such as structural, functional, and spatial information, amino acid conservation, physicochemical variation, residue mobility, and thermodynamic stability) indicates that this missense variant is not expected to disrupt ROBO2 protein function with a negative predictive value of 95%. In summary, the available evidence is currently insufficient to determine the role of this variant in disease. Therefore, it has been classified as a Variant of Uncertain Significance.